The following is an entry in ClinVar:

ClinVar aggregate classification (germline): Conflicting classifications of pathogenicity. Review status: criteria provided, conflicting classifications (1 of 4 stars). 2 submissions from 2 submitters: Uncertain significance (1); Likely benign (1). Last evaluated 2025-08-18.

Conditions:
Hereditary cancer-predisposing syndrome. Also called: Tumor predisposition; Neoplastic Syndromes, Hereditary; Hereditary Cancer Syndrome; Hereditary neoplastic syndrome. Identifiers: Orphanet 140162, MedGen C0027672, MeSH D009386, MONDO:0015356.

Allele frequency attached by ClinVar (database versions not stated): gnomAD exomes below 0.00001 and 0.00001; gnomAD 0.00001.
gnomAD v4.1: 5 of 1,613,582 alleles (0.00031%); highest among the groups gnomAD compares: East Asian, 0.0067%; no homozygotes.

Submissions (2):

Labcorp Genetics (formerly Invitae), Labcorp
Classification: Uncertain significance. Last evaluated: 2025-08-18. Review status: criteria provided, single submitter. Criteria: Invitae Variant Classification Sherloc (09022015). Collection method: clinical testing. Allele origin: germline.
Comment: This sequence change replaces methionine, which is neutral and non-polar, with valine, which is neutral and non-polar, at codon 2201 of the POLE protein (p.Met2201Val). This variant is present in population databases (no rsID available, gnomAD 0.01%). This variant has not been reported in the literature in individuals affected with POLE-related conditions. ClinVar contains an entry for this variant (Variation ID: 240605). Invitae Evidence Modeling of protein sequence and biophysical properties (such as structural, functional, and spatial information, amino acid conservation, physicochemical variation, residue mobility, and thermodynamic stability) indicates that this missense variant is not expected to disrupt POLE protein function with a negative predictive value of 80%. In summary, the available evidence is currently insufficient to determine the role of this variant in disease. Therefore, it has been classified as a Variant of Uncertain Significance.

Ambry Genetics
Classification: Likely benign for Hereditary cancer-predisposing syndrome. Last evaluated: 2025-03-24. Review status: criteria provided, single submitter. Criteria: Ambry Variant Classification Scheme 2023. Collection method: clinical testing. Allele origin: germline.

NM_006231.4(POLE):c.6601A>G (p.Met2201Val)

Gene: POLE (DNA polymerase epsilon, catalytic subunit; minus strand). Cytogenetic location: 12q24.33.
Variant type: single nucleotide variant.
Coding change: c.6601A>G on transcript NM_006231.4 (MANE Select); coding-DNA position 6601, A replaced by G.
Protein change: p.Met2201Val; replaces methionine 2201 with valine.
Molecular consequence: missense variant.
Genome position (GRCh38, 1-based): chr12:132,625,701, T>C on the plus strand (A>G on the coding strand, the complement: POLE is on the minus strand). VCF-style: chr12-132625701-T-C. GRCh37 (hg19) VCF-style: chr12-133202287-T-C.
Other names: short protein forms M2201V.
Identifiers: ClinVar variation 240605 (VCV000240605.11), dbSNP rs878854895, ClinGen allele CA10582966.
Genomic context (GRCh38, chr12:132,625,701, plus strand): 5'-TCACCAGGTCCTGCAGGGTGAAGGCCATCAGCTTCTTCTGTAGAACTTCCACCAGCGTCA[T>C]CTCGATGGCAGAGGAGTCGTAGGGCGCCTGACAGTTGGAGCAGAGCCACTGAGGCAGGAC-3'
Protein context (NP_006222.2, residues 2191-2211): QAPYDSSAIE[Met2201Val]TLVEVLQKKL